The following is an entry in ClinVar:

NM_013275.6(ANKRD11):c.2426G>C (p.Arg809Thr)

Gene: ANKRD11 (ankyrin repeat domain 11; minus strand). Cytogenetic location: 16q24.3.
Variant type: single nucleotide variant.
Coding change: c.2426G>C on transcript NM_013275.6 (MANE Select); coding-DNA position 2426, G replaced by C.
Protein change: p.Arg809Thr; replaces arginine 809 with threonine.
Molecular consequence: missense variant.
Genome position (GRCh38, 1-based): chr16:89,284,116, C>G on the plus strand (G>C on the coding strand, the complement: ANKRD11 is on the minus strand). VCF-style: chr16-89284116-C-G. GRCh37 (hg19) VCF-style: chr16-89350524-C-G.
Other names: c.2426G>C, p.Arg809Thr (NM_001256182.2, NM_001256183.2); short protein forms R809T.
Identifiers: ClinVar variation 1034411 (VCV001034411.1), dbSNP rs79174195, ClinGen allele CA397162438.

ClinVar aggregate classification (germline): Uncertain significance (1 of 4 stars; one submission).

Conditions:
KBG syndrome (KBGS). Also called: ANKRD11-Related KBG Syndrome. Identifiers: Orphanet 2332, MedGen C0220687, MONDO:0007846, OMIM 148050.

gnomAD v4.1: 1 of 1,611,132 alleles (0.000062%); highest among the groups gnomAD compares: Non-Finnish European, 0.000085%; no homozygotes.

Submission:

Baylor Genetics
Classification: Uncertain significance for KBG syndrome. Last evaluated: 2018-02-07. Review status: criteria provided, single submitter. Criteria: ACMG Guidelines, 2015. Collection method: clinical testing. Allele origin: unknown. Affected: yes.
Comment: This variant was determined to be of uncertain significance according to ACMG Guidelines, 2015 [PMID:25741868].